The following is an entry in ClinVar:

ClinVar aggregate classification (germline): Likely benign. Review status: criteria provided, multiple submitters, no conflicts (2 of 4 stars). 3 submissions from 3 submitters: Likely benign (3). Last evaluated 2026-05-09.

Conditions:
CACNB2-related disorder. Also called: CACNB2-related condition.
Cardiovascular phenotype. Identifiers: MedGen CN230736.
Brugada syndrome 4 (BRGDA4). Identifiers: Orphanet 130, MedGen C2678477, MONDO:0012743, OMIM 611876.

Allele frequency attached by ClinVar (database versions not stated): ExAC 0.00001; gnomAD 0.00004; TOPMed 0.00008.
gnomAD v4.1: 29 of 1,614,030 alleles (0.0018%); highest among the groups gnomAD compares: Admixed American, 0.018%; no homozygotes.

Submissions (3):

PreventionGenetics, part of Exact Sciences
Classification: Likely benign for CACNB2-related condition. Last evaluated: 2026-05-09. Review status: criteria provided, single submitter. Criteria: ACMG Guidelines, 2015. Collection method: clinical testing. Allele origin: germline.
Comment: This variant is classified as likely benign based on ACMG/AMP sequence variant interpretation guidelines (Richards et al. 2015 PMID: 25741868, with internal and published modifications).

Labcorp Genetics (formerly Invitae), Labcorp
Classification: Likely benign for Brugada syndrome 4. Last evaluated: 2025-12-22. Review status: criteria provided, single submitter. Criteria: Invitae Variant Classification Sherloc (09022015). Collection method: clinical testing. Allele origin: germline.

Ambry Genetics
Classification: Likely benign for Cardiovascular phenotype. Last evaluated: 2020-12-09. Review status: criteria provided, single submitter. Criteria: Ambry Variant Classification Scheme 2023. Collection method: clinical testing. Allele origin: germline.

NM_201596.3(CACNB2):c.1671G>A (p.Ser557=)

Gene: CACNB2 (calcium voltage-gated channel auxiliary subunit beta 2; plus strand). Cytogenetic location: 10p12.31.
Variant type: single nucleotide variant.
Coding change: c.1671G>A on transcript NM_201596.3 (MANE Select); coding-DNA position 1671, G replaced by A.
Protein change: p.Ser557=; no amino-acid change (serine 557 retained).
Molecular consequence: synonymous variant.
Genome position (GRCh38, 1-based): chr10:18,539,412, G>A. VCF-style: chr10-18539412-G-A. GRCh37 (hg19) VCF-style: chr10-18828341-G-A.
Other names: c.1506G>A, p.Ser502= (NM_000724.4); c.1473G>A, p.Ser491= (NM_001167945.2); c.1392G>A, p.Ser464= (NM_001330060.2); c.1527G>A, p.Ser509= (NM_201570.3); c.1587G>A, p.Ser529= (NM_201571.4); c.1515G>A, p.Ser505= (NM_201572.4); c.1509G>A, p.Ser503= (NM_201590.3); c.1557G>A, p.Ser519= (NM_201593.3); and 1 more.
Identifiers: ClinVar variation 1670594 (VCV001670594.11), dbSNP rs2228646, ClinGen allele CA5430124.